The following is an entry in ClinVar:

NM_006579.3(EBP):c.282A>C (p.Gln94His)

Gene: EBP (EBP cholestenol delta-isomerase; plus strand). Cytogenetic location: Xp11.23.
Variant type: single nucleotide variant.
Coding change: c.282A>C on transcript NM_006579.3 (MANE Select); coding-DNA position 282, A replaced by C.
Protein change: p.Gln94His; replaces glutamine 94 with histidine.
Molecular consequence: missense variant.
Genome position (GRCh38, 1-based): chrX:48,524,053, A>C. VCF-style: chrX-48524053-A-C. GRCh37 (hg19) VCF-style: chrX-48382441-A-C.
Other names: short protein forms Q94H.
Identifiers: ClinVar variation 764242 (VCV000764242.27), dbSNP rs182712356, ClinGen allele CA10402997.
Genomic context (GRCh38, chrX:48,524,053, plus strand): 5'-CATTCACCTGGTGATCGAGGGCTGGTTCGTTCTCTACTACGAAGACCTGCTTGGAGACCA[A>C]GCCTTCTTATCTCAACTCTGTGAGTCCTGATTTCTTTCATATGCTGTGGGATGGGATTTG-3'
Protein context (NP_006570.1, residues 84-104): VLYYEDLLGD[Gln94His]AFLSQLWKEY

ClinVar aggregate classification (germline): Benign/Likely benign. Review status: criteria provided, multiple submitters, no conflicts (2 of 4 stars). 5 submissions from 5 submitters: Benign (2); Likely benign (2). 1 of the submissions does not count toward it. Last evaluated 2026-02-01.

Conditions:
EBP-related disorder. Also called: EBP-related condition.

Allele frequency attached by ClinVar (database versions not stated): gnomAD exomes 0.00017 and 0.00075; gnomAD 0.00019 and 0.00028; TOPMed 0.00036; ExAC 0.00076; 1000 Genomes Project 30x 0.00250; 1000 Genomes Project 0.00265.
gnomAD v4.1: 238 of 1,209,640 alleles (0.02%); highest among the groups gnomAD compares: East Asian, 0.59%; 2 homozygotes.

Submissions (5):

Labcorp Genetics (formerly Invitae), Labcorp
Classification: Benign. Last evaluated: 2026-02-01. Review status: criteria provided, single submitter. Criteria: Invitae Variant Classification Sherloc (09022015). Collection method: clinical testing. Allele origin: germline.

CeGaT Center for Human Genetics Tuebingen
Classification: Likely benign. Last evaluated: 2025-02-01. Review status: criteria provided, single submitter. Criteria: CeGaT Center For Human Genetics Tuebingen Variant Classification Criteria Version 2. Collection method: clinical testing. Allele origin: germline. Affected: yes. Observed: 1 variant allele.
Comment: EBP: BS2

Blueprint Genetics
Classification: Likely benign. Last evaluated: 2024-05-03. Review status: criteria provided, single submitter. Criteria: ACMG Guidelines, 2015. Collection method: clinical testing. Allele origin: germline.

GeneDx
Classification: Benign. Last evaluated: 2021-05-06. Review status: criteria provided, single submitter. Criteria: GeneDx Variant Classification Process June 2021. Collection method: clinical testing. Allele origin: germline. Affected: yes.

PreventionGenetics, part of Exact Sciences
Classification: Benign for EBP-related condition. Last evaluated: 2021-11-29. Review status: no assertion criteria provided. Collection method: clinical testing. Allele origin: germline. Not counted in ClinVar's aggregate classification.
Comment: This variant is classified as benign based on ACMG/AMP sequence variant interpretation guidelines (Richards et al. 2015 PMID: 25741868, with internal and published modifications).